The following is an entry in ClinVar:

NM_033305.3(VPS13A):c.8138_8139del (p.Leu2713fs)

Gene: VPS13A (vacuolar protein sorting 13 homolog A; plus strand). Cytogenetic location: 9q21.2.
Variant type: Microsatellite.
Coding change: c.8138_8139del on transcript NM_033305.3 (MANE Select); coding-DNA positions 8138 to 8139, 2 bases deleted (TC; older notation c.8138_8139delTC).
Protein change: p.Leu2713fs; shifts the reading frame from leucine 2713.
Molecular consequence: frameshift variant.
Genome position (GRCh38, 1-based): chr9:77,360,568-77,360,569, TC deleted; deleting any 2 consecutive bases within chr9:77,360,566-77,360,569 gives the same sequence; the c. name uses the placement nearest the transcript's 3' end. VCF-style (leftmost placement, unchanged base first): chr9-77360565-ATC-A. GRCh37 (hg19) VCF-style: chr9-79975481-ATC-A.
Other names: c.8021_8022del, p.Leu2674fs (NM_001018037.2); c.8138_8139del, p.Leu2713fs (NM_001018038.3, NM_015186.4); short protein forms L2674fs, L2713fs.
Identifiers: ClinVar variation 5011740 (VCV005011740.1).

ClinVar aggregate classification (germline): Pathogenic (1 of 4 stars; one submission).

Conditions:
VPS13A-related neurodegenerative disease. Also called: ACANTHOCYTOSIS WITH NEUROLOGIC DISORDER; LEVINE-CRITCHLEY SYNDROME; Choreoacanthocytosis; Chorea-acanthocytosis; Choreaacanthocytosis; VPS13A Disease. Identifiers: Orphanet 2388, MedGen C0393576, MONDO:0008695, OMIM 200150.

Submission:

Myriad Genetics, Inc.
Classification: Pathogenic for VPS13A-related neurodegenerative disease. Last evaluated: 2023-09-27. Review status: criteria provided, single submitter. Criteria: Myriad Autosomal Dominant, Autosomal Recessive and X-Linked Classification Criteria (2023). Collection method: clinical testing. Allele origin: unknown.
Comment: NM_033305.2(VPS13A):c.8138_8139delTC(L2713Qfs*18) is expected to be pathogenic in the context of VPS13A disease. This variant is predicted to lead to an abnormal or absent protein product due to the creation of a premature termination codon in VPS13A, a gene where loss-of-function variants are known to be pathogenic. Please note: this variant was assessed in the context of healthy population screening.